The following is an entry in ClinVar:

NM_030773.4(TUBB1):c.1033A>T (p.Ile345Phe)

Gene: TUBB1 (tubulin beta 1 class VI; plus strand). Cytogenetic location: 20q13.32.
Variant type: single nucleotide variant.
Coding change: c.1033A>T on transcript NM_030773.4 (MANE Select); coding-DNA position 1033, A replaced by T.
Protein change: p.Ile345Phe; replaces isoleucine 345 with phenylalanine.
Molecular consequence: missense variant.
Genome position (GRCh38, 1-based): chr20:59,024,460, A>T. VCF-style: chr20-59024460-A-T. GRCh37 (hg19) VCF-style: chr20-57599515-A-T.
Other names: short protein forms I345F.
Identifiers: ClinVar variation 4537225 (VCV004537225.1).
Genomic context (GRCh38, chr20:59,024,460, plus strand): 5'-GAAGTGGACCAGCAACTGCTCTCCGTGCAGACCAGGAACAGCAGCTGCTTTGTGGAGTGG[A>T]TTCCCAACAACGTCAAGGTGGCTGTCTGCGACATCCCGCCCCGGGGGCTGAGCATGGCCG-3'
Protein context (NP_110400.1, residues 335-355): TRNSSCFVEW[Ile345Phe]PNNVKVAVCD

ClinVar aggregate classification (germline): Uncertain significance (1 of 4 stars; one submission).

Submission:

Women's Health and Genetics/Laboratory Corporation of America, LabCorp
Classification: Uncertain significance. Last evaluated: 2025-11-28. Review status: criteria provided, single submitter. Criteria: LabCorp Variant Classification Summary - May 2015. Collection method: clinical testing. Allele origin: germline.
Comment: Variant summary: TUBB1 c.1033A>T (p.Ile345Phe) results in a non-conservative amino acid change in the encoded protein sequence. Algorithms developed to predict the effect of missense changes on protein structure and function all suggest that this variant is likely to be disruptive. The variant was absent in 251452 control chromosomes. The available data on variant occurrences in the general population are insufficient to allow any conclusion about variant significance. To our knowledge, no occurrence of c.1033A>T in individuals affected with TUBB1-related conditions and no experimental evidence demonstrating its impact on protein function have been reported. No submitters have cited clinical-significance assessments for this variant to ClinVar. Based on the evidence outlined above, the variant was classified as uncertain significance.